The following is an entry in ClinVar:

ClinVar aggregate classification (germline): Uncertain significance (1 of 4 stars; one submission).

Submission:

GeneDx
Classification: Uncertain significance. Last evaluated: 2023-03-07. Review status: criteria provided, single submitter. Criteria: GeneDx Variant Classification Process June 2021. Collection method: clinical testing. Allele origin: germline. Affected: yes.
Comment: Not observed at significant frequency in large population cohorts (gnomAD); In silico analysis supports that this missense variant has a deleterious effect on protein structure/function; Has not been previously published as pathogenic or benign to our knowledge

NM_020795.4(NLGN2):c.284G>A (p.Gly95Asp)

Gene: NLGN2 (neuroligin 2; plus strand). Cytogenetic location: 17p13.1.
Variant type: single nucleotide variant.
Coding change: c.284G>A on transcript NM_020795.4 (MANE Select); coding-DNA position 284, G replaced by A.
Protein change: p.Gly95Asp; replaces glycine 95 with aspartic acid.
Molecular consequence: missense variant.
Genome position (GRCh38, 1-based): chr17:7,408,539, G>A. VCF-style: chr17-7408539-G-A. GRCh37 (hg19) VCF-style: chr17-7311858-G-A.
Other names: short protein forms G95D.
Identifiers: ClinVar variation 2579550 (VCV002579550.1), dbSNP rs2507715955, ClinGen allele CA397813682.